The following is an entry in ClinVar:

ClinVar aggregate classification (germline): Uncertain significance. Review status: criteria provided, multiple submitters, no conflicts (2 of 4 stars). 2 submissions from 2 submitters: Uncertain significance (2). Last evaluated 2026-01-09.

Conditions:
MITF-related disorder. Also called: MITF-related condition.
Melanoma, cutaneous malignant, susceptibility to, 8. Also called: Cutaneous malignant melanoma 8; MELANOMA AND RENAL CELL CARCINOMA, SUSCEPTIBILITY TO. Identifiers: Orphanet 293822, MedGen C3152204, MONDO:0013759, OMIM 614456.
Tietz syndrome (TADS). Also called: TIETZ ALBINISM-DEAFNESS SYNDROME; ALBINISM-DEAFNESS OF TIETZ; HYPOPIGMENTATION/DEAFNESS OF TIETZ. Identifiers: Orphanet 42665, MedGen C0391816, MONDO:0007077, OMIM 103500.
Waardenburg syndrome type 2A (WS2A). Also called: WAARDENBURG SYNDROME WITHOUT DYSTOPIA CANTHORUM. Identifiers: Orphanet 3440, MedGen C1860339, MONDO:0008671, OMIM 193510.

gnomAD v4.1: 12 of 1,614,120 alleles (0.00074%); highest among the groups gnomAD compares: Non-Finnish European, 0.001%; no homozygotes.

Submissions (2):

PreventionGenetics, part of Exact Sciences
Classification: Uncertain significance for MITF-related condition. Last evaluated: 2026-01-09. Review status: criteria provided, single submitter. Criteria: ACMG Guidelines, 2015. Collection method: clinical testing. Allele origin: germline.
Comment: The MITF c.1075G>C variant is predicted to result in the amino acid substitution p.Glu359Gln. To our knowledge, this variant has not been reported in the literature. This variant is reported in 0.00088% of alleles in individuals of European (Non-Finnish) descent in gnomAD. At this time, the clinical significance of this variant is uncertain due to the absence of conclusive functional and genetic evidence.

Labcorp Genetics (formerly Invitae), Labcorp
Classification: Uncertain significance for Melanoma, cutaneous malignant, susceptibility to, 8; Waardenburg syndrome type 2A; Tietz syndrome. Last evaluated: 2025-07-22. Review status: criteria provided, single submitter. Criteria: Invitae Variant Classification Sherloc (09022015). Collection method: clinical testing. Allele origin: germline.
Comment: This sequence change replaces glutamic acid, which is acidic and polar, with glutamine, which is neutral and polar, at codon 359 of the MITF protein (p.Glu359Gln). This variant is present in population databases (rs150995386, gnomAD 0.0009%). This variant has not been reported in the literature in individuals affected with MITF-related conditions. ClinVar contains an entry for this variant (Variation ID: 2419325). Invitae Evidence Modeling of protein sequence and biophysical properties (such as structural, functional, and spatial information, amino acid conservation, physicochemical variation, residue mobility, and thermodynamic stability) indicates that this missense variant is not expected to disrupt MITF protein function with a negative predictive value of 80%. In summary, the available evidence is currently insufficient to determine the role of this variant in disease. Therefore, it has been classified as a Variant of Uncertain Significance.

NM_001354604.2(MITF):c.1396G>C (p.Glu466Gln)

Gene: MITF (melanocyte inducing transcription factor; plus strand). Cytogenetic location: 3p13.
Variant type: single nucleotide variant.
Coding change: c.1396G>C on transcript NM_001354604.2 (MANE Select); coding-DNA position 1396, G replaced by C.
Protein change: p.Glu466Gln; replaces glutamic acid 466 with glutamine.
Molecular consequence: missense variant.
Genome position (GRCh38, 1-based): chr3:69,965,063, G>C. VCF-style: chr3-69965063-G-C. GRCh37 (hg19) VCF-style: chr3-70014214-G-C.
Other names: c.1075G>C, p.Glu359Gln (NM_000248.4); c.1222G>C, p.Glu408Gln (NM_001184967.2, NM_001354608.2); c.1393G>C, p.Glu465Gln (NM_001354605.2); c.1375G>C, p.Glu459Gln (NM_001354606.2, NM_006722.3); c.1327G>C, p.Glu443Gln (NM_001354607.2); c.1057G>C, p.Glu353Gln (NM_198158.3); c.1378G>C, p.Glu460Gln (NM_198159.3); c.1330G>C, p.Glu444Gln (NM_198177.3); and 1 more; short protein forms E297Q, E353Q, E359Q, E408Q, E443Q, E444Q, E459Q, E460Q.
Identifiers: ClinVar variation 2419325 (VCV002419325.8), dbSNP rs150995386, ClinGen allele CA2490658.